The following is an entry in ClinVar:

NM_015443.4(KANSL1):c.3050A>C (p.Asp1017Ala)

Gene: KANSL1 (KAT8 regulatory NSL complex subunit 1). Cytogenetic location: 17q21.31.
Variant type: single nucleotide variant.
Coding change: c.3050A>C on transcript NM_015443.4 (MANE Select); coding-DNA position 3050, A replaced by C.
Protein change: p.Asp1017Ala; replaces aspartic acid 1017 with alanine.
Molecular consequence: missense variant.
Genome position (GRCh38, 1-based): chr17:46,032,087, T>G on the plus strand (A>C on the coding strand, the complement: KANSL1 is on the minus strand). VCF-style: chr17-46032087-T-G. GRCh37 (hg19) VCF-style: chr17-44109453-T-G.
Other names: c.3047A>C, p.Asp1016Ala (NM_001193465.2); c.3050A>C, p.Asp1017Ala (NM_001193466.2, NM_001379198.1); short protein forms D1017A, D1016A.
Identifiers: ClinVar variation 626123 (VCV000626123.2), dbSNP rs1568365844, ClinGen allele CA399986385.
Genomic context (GRCh38, chr17:46,032,087, plus strand): 5'-CCAAAGGCTGCGTCCCTTACCTGTTCATCCAGCCCCAGCTCTGGTGTGGAACAACGGGTA[T>G]CCTCACTGGCTAAGTGTCGCGGAGTGTCCCGAGCCACAGGGGTGAGGGGTGCTGAGTGCA-3'
Protein context (NP_056258.1, residues 1007-1027): RDTPRHLASE[Asp1017Ala]TRCSTPELGL

ClinVar aggregate classification (germline): Uncertain significance (1 of 4 stars; one submission).

Conditions:
Koolen-de Vries syndrome (KDVS). Identifiers: Orphanet 96169, MedGen C1864871, MONDO:0012496, OMIM 610443.

Submission:

Center for Genomics, Ann and Robert H. Lurie Children's Hospital of Chicago
Classification: Uncertain significance for Koolen-de Vries syndrome. Last evaluated: 2021-03-30. Review status: criteria provided, single submitter. Criteria: ACMG Guidelines, 2015. Collection method: clinical testing. Allele origin: germline.
Comment: KANSL1 NM_001193466 exon 14 p.Asp1017Ala (c.3050A>C): This variant has not been reported in the literature and is not present in large control databases. Evolutionary conservation and computational predictive tools suggest that this variant may impact the protein. In summary, data on this variant is insufficient for disease classification. Therefore, the clinical significance of this variant is uncertain.